The following is an entry in ClinVar:

NM_000038.6(APC):c.241A>G (p.Asn81Asp)

Gene: APC (APC regulator of Wnt signaling pathway; plus strand). Cytogenetic location: 5q22.2.
Variant type: single nucleotide variant.
Coding change: c.241A>G on transcript NM_000038.6 (MANE Select); coding-DNA position 241, A replaced by G.
Protein change: p.Asn81Asp; replaces asparagine 81 with aspartic acid.
Molecular consequence: missense variant. On other transcripts: 5 prime UTR variant (4), non-coding transcript variant (2).
Genome position (GRCh38, 1-based): chr5:112,767,209, A>G. VCF-style: chr5-112767209-A-G. GRCh37 (hg19) VCF-style: chr5-112102906-A-G.
Other names: c.241A>G, p.Asn81Asp (NM_001127510.3, NM_001354895.2, NM_001354896.2 and 16 more transcripts); c.271A>G, p.Asn91Asp (NM_001127511.3, NM_001354897.2, NM_001354902.2 and 1 more transcripts); c.166A>G, p.Asn56Asp (NM_001354898.2, NM_001354904.2, NM_001407451.1); c.64A>G, p.Asn22Asp (NM_001354900.2, NM_001354901.2, NM_001354905.2 and 1 more transcripts); c.-795A>G (NM_001354906.2, NM_001407470.1, NM_001407471.1 and 1 more transcripts); short protein forms N22D, N56D, N81D, N91D.
Identifiers: ClinVar variation 4801431 (VCV004801431.1).

ClinVar aggregate classification (germline): Uncertain significance (1 of 4 stars; one submission).

Conditions:
Familial adenomatous polyposis 1 (FAP1). Also called: FAMILIAL ADENOMATOUS POLYPOSIS 1, ATTENUATED; POLYPOSIS, ADENOMATOUS INTESTINAL. Identifiers: MedGen C2713442, MONDO:0021056, OMIM 175100. Disease mechanism: loss of function.

Submission:

Labcorp Genetics (formerly Invitae), Labcorp
Classification: Uncertain significance for Familial adenomatous polyposis 1. Last evaluated: 2025-11-10. Review status: criteria provided, single submitter. Criteria: Invitae Variant Classification Sherloc (09022015). Collection method: clinical testing. Allele origin: germline.
Comment: This sequence change replaces asparagine, which is neutral and polar, with aspartic acid, which is acidic and polar, at codon 81 of the APC protein (p.Asn81Asp). This variant is not present in population databases (gnomAD no frequency). This variant has not been reported in the literature in individuals affected with APC-related conditions. Invitae Evidence Modeling of protein sequence and biophysical properties (such as structural, functional, and spatial information, amino acid conservation, physicochemical variation, residue mobility, and thermodynamic stability) indicates that this missense variant is not expected to disrupt APC protein function with a negative predictive value of 95%. In summary, the available evidence is currently insufficient to determine the role of this variant in disease. Therefore, it has been classified as a Variant of Uncertain Significance.